The following is an entry in ClinVar:

NM_177924.5(ASAH1):c.457+4A>G

Gene: ASAH1 (N-acylsphingosine amidohydrolase 1; minus strand). Cytogenetic location: 8p22.
Variant type: single nucleotide variant.
Coding change: c.457+4A>G on transcript NM_177924.5 (MANE Select); 4 bases into the intron after coding-DNA position 457, A replaced by G.
Molecular consequence: intron variant.
Genome position (GRCh38, 1-based): chr8:18,064,453, T>C on the plus strand (A>G on the coding strand, the complement: ASAH1 is on the minus strand). VCF-style: chr8-18064453-T-C. GRCh37 (hg19) VCF-style: chr8-17921962-T-C.
Other names: c.457+4A>G (NM_177924.3, NM_177924.4); c.505+4A>G (NM_004315.6); c.439+4A>G (NM_001127505.3); c.262+4A>G (NM_001363743.2).
Identifiers: ClinVar variation 812501 (VCV000812501.19), dbSNP rs767864356, ClinGen allele CA4650854.

ClinVar aggregate classification (germline): Pathogenic/Likely pathogenic. Review status: criteria provided, multiple submitters, no conflicts (2 of 4 stars). 6 submissions from 6 submitters: Pathogenic (2); Likely pathogenic (3). 1 of the submissions does not count toward it. Last evaluated 2024-09-13.

Conditions:
Farber lipogranulomatosis (FRBRL). Also called: AC DEFICIENCY; ACID CERAMIDASE DEFICIENCY; CERAMIDASE DEFICIENCY; N-LAURYLSPHINGOSINE DEACYLASE DEFICIENCY; Farber's lipogranulomatosis; Farber's disease. Identifiers: Orphanet 333, MedGen C0268255, MONDO:0009218, OMIM 228000.
Inborn genetic diseases. Identifiers: MedGen C0950123, MeSH D030342.

Allele frequency attached by ClinVar (database versions not stated): gnomAD exomes below 0.00001; ExAC 0.00001; TOPMed 0.00001.
gnomAD v4.1: 1 of 1,543,192 alleles (0.000065%); highest among the groups gnomAD compares: South Asian, 0.0011%; no homozygotes.

Submissions (6):

GeneDx
Classification: Likely pathogenic. Last evaluated: 2024-09-13. Review status: criteria provided, single submitter. Criteria: GeneDx Variant Classification Process June 2021. Collection method: clinical testing. Allele origin: germline. Affected: yes.
Comment: Published functional studies demonstrate a damaging effect and indicate that the c.457+4 A>G variant leads to abnormal splicing and results in skipping of exon 6 (PMID: 24355074); In silico analysis supports a deleterious effect on splicing; Not observed at significant frequency in large population cohorts (gnomAD); This variant is associated with the following publications: (PMID: 22565078, 24355074)

Labcorp Genetics (formerly Invitae), Labcorp
Classification: Pathogenic. Last evaluated: 2024-08-04. Review status: criteria provided, single submitter. Criteria: Invitae Variant Classification Sherloc (09022015). Collection method: clinical testing. Allele origin: germline.
Comment: This sequence change falls in intron 6 of the ASAH1 gene. It does not directly change the encoded amino acid sequence of the ASAH1 protein. RNA analysis indicates that this variant induces altered splicing and likely results in a shortened protein product. This variant is present in population databases (rs767864356, gnomAD 0.003%). This variant has been observed in individual(s) with Farber lipogranulomatous disease (PMID: 24355074). ClinVar contains an entry for this variant (Variation ID: 812501). Variants that disrupt the consensus splice site are a relatively common cause of aberrant splicing (PMID: 17576681, 9536098). Studies have shown that this variant results in skipping of exon 6, but is expected to preserve the integrity of the reading-frame (PMID: 24355074). This variant disrupts a region of the ASAH1 protein in which other variant(s) (p.Lys152Asn) have been determined to be pathogenic (PMID: 24164096, 25847462, 26526000; Invitae). This suggests that this is a clinically significant region of the protein, and that variants that disrupt it are likely to be disease-causing. For these reasons, this variant has been classified as Pathogenic.

Ambry Genetics
Classification: Pathogenic for Inborn genetic diseases. Last evaluated: 2022-01-24. Review status: criteria provided, single submitter. Criteria: Ambry Variant Classification Scheme 2023. Collection method: clinical testing. Allele origin: germline.
Comment: The c.457+4A>G intronic alteration consists of a A to G substitution nucleotides after coding exon 6 in the ASAH1 gene. Based on data from gnomAD, the G allele has an overall frequency of <0.01% (1/243356) total alleles studied. The highest observed frequency was <0.01% (1/29878) of South Asian alleles. This mutation was identified in the homozygous state in a child with Farber disease; biparental inheritance was confirmed (Muranjan, 2012; Bashyam, 2014). Based on internal structural analysis, the predicted impact of c.457+4A>G, p.E129_G153del, is deleterious; p.E129_G153del is destabilizing to the local structure and disrupts a putative key residue in protein function (Gebai, 2018; Dementiev, 2019). RT-PCR of fibroblasts from amniotic fluid of a carrier fetus showed a product 75 base pairs shorter than wild type due to aberrant splicing (Bashyam, 2014). In silico splice site analysis predicts that this alteration will weaken the native splice donor site. Based on the available evidence, this alteration is classified as pathogenic.

Revvity Omics, Revvity
Classification: Likely pathogenic. Last evaluated: 2019-10-22. Review status: criteria provided, single submitter. Criteria: ACMG Guidelines, 2015. Collection method: clinical testing. Allele origin: germline.

Medical Affairs, Dicerna Pharmaceuticals
Classification: Likely pathogenic for Farber lipogranulomatosis. Last evaluated: 2019-07-01. Review status: criteria provided, single submitter. Criteria: ACMG Guidelines, 2015. Collection method: literature only. Allele origin: maternal. Inheritance: Autosomal recessive inheritance. Affected: yes. Observed: 1 variant allele.
Comment: Variant c.457+4A>G is likely pathogenic. DNA sequencing revealed compound heterozygous variants, c.126-3941_382+1358del and c.457+4A>G, in the ASAH1 gene and biparental segregation was confirmed. Variant c.457+4A>G was further investigated by Bashyam et al., 2014, using PCR and Sanger sequencing. This variant affects the 5' splice site in intron 6. RT-PCR analyses on RNA isolated from fibroblasts generated from the amniotic fluid revealed a cDNA product of 140 bp (probably emanating from the mutant allele) in addition to the expected product of 215 bp (generated from the wildtype allele); the difference (75 bp) was equal to the size of exon 6. Determination of DNA sequence of the 140 bp cDNA product confirmed skipping of exon 6. DNA sequence analysis of the 215 bp product confirmed the wild-type sequence. Exon 6 is the region responsible for cleavage of enzyme precursor thus results in an ineffective acid ceramidase enzyme.

These alterations were not detected in 100 normal control chromosomes.

Genetics laboratory, Institute of Kidney Diseases & Research Centre Dr. H.L. Trivedi Institute Of Transplantation Sciences
Classification: Likely pathogenic for Farber lipogranulomatosis. Last evaluated: 2020-09-14. Review status: no assertion criteria provided. Collection method: clinical testing. Allele origin: germline. Inheritance: Autosomal recessive inheritance. Affected: yes. Observed: 1 variant allele, 1 heterozygote. Not counted in ClinVar's aggregate classification.
Comment: The c.457+4A>C variant has been previously reported in compound heterozygous form in an individual affected with Farber disease(Muranjan et al., 2012 ; Bashyam et al., 2014). In silico tools predict the splice site to be disrupted and the site is conserved across species. For this reasons, this variant has been classified as Likely Pathogenic.

Literature cited by the submitters: PubMed 24355074 (cited by Labcorp Genetics (formerly Invitae), Labcorp and Ambry Genetics); PubMed 17576681 (cited by Labcorp Genetics (formerly Invitae), Labcorp); PubMed 9536098 (cited by Labcorp Genetics (formerly Invitae), Labcorp); PubMed 24164096 (cited by Labcorp Genetics (formerly Invitae), Labcorp); PubMed 25847462 (cited by Labcorp Genetics (formerly Invitae), Labcorp); PubMed 26526000 (cited by Labcorp Genetics (formerly Invitae), Labcorp); PubMed 22565078 (cited by Ambry Genetics and Medical Affairs, Dicerna Pharmaceuticals); PubMed 29692406 (cited by Ambry Genetics); PubMed 30525581 (cited by Ambry Genetics); DOI 10.1111/cge.12316 (cited by Medical Affairs, Dicerna Pharmaceuticals); DOI 10.1016/j.ymgme.2013.04.019 (cited by Medical Affairs, Dicerna Pharmaceuticals).